The following is an entry in ClinVar:

ClinVar aggregate classification (germline): Conflicting classifications of pathogenicity. Review status: criteria provided, conflicting classifications (1 of 4 stars). 3 submissions from 3 submitters: Uncertain significance (1); Likely benign (1). 1 of the submissions does not count toward it. Last evaluated 2026-01-14.

Conditions:
CEP164-related disorder. Also called: CEP164-related condition.
Nephronophthisis 15 (NPHP15). Identifiers: Orphanet 3156, MedGen C3541853, MONDO:0013917, OMIM 614845.

Allele frequency attached by ClinVar (database versions not stated): gnomAD exomes 0.00006 and 0.00016; ExAC 0.00007; ESP Exome Variant Server 0.00008; TOPMed 0.00008; gnomAD 0.00009 and 0.00010.
gnomAD v4.1: 235 of 1,613,664 alleles (0.015%); highest among the groups gnomAD compares: Non-Finnish European, 0.019%; no homozygotes.

Submissions (3):

Labcorp Genetics (formerly Invitae), Labcorp
Classification: Uncertain significance for Nephronophthisis 15. Last evaluated: 2026-01-14. Review status: criteria provided, single submitter. Criteria: Invitae Variant Classification Sherloc (09022015). Collection method: clinical testing. Allele origin: germline.
Comment: This sequence change falls in intron 15 of the CEP164 gene. It does not directly change the encoded amino acid sequence of the CEP164 protein. It affects a nucleotide within the consensus splice site. This variant is present in population databases (rs369584565, gnomAD 0.01%). This variant has not been reported in the literature in individuals affected with CEP164-related conditions. ClinVar contains an entry for this variant (Variation ID: 853168). Variants that disrupt the consensus splice site are a relatively common cause of aberrant splicing (PMID: 17576681, 9536098). Algorithms developed to predict the effect of sequence changes on RNA splicing suggest that this variant is not likely to affect RNA splicing. In summary, the available evidence is currently insufficient to determine the role of this variant in disease. Therefore, it has been classified as a Variant of Uncertain Significance.

Blueprint Genetics
Classification: Likely benign. Last evaluated: 2023-09-14. Review status: criteria provided, single submitter. Criteria: ACMG Guidelines, 2015. Collection method: clinical testing. Allele origin: germline.

PreventionGenetics, part of Exact Sciences
Classification: Likely benign for CEP164-related condition. Last evaluated: 2024-08-07. Review status: no assertion criteria provided. Collection method: clinical testing. Allele origin: germline. Not counted in ClinVar's aggregate classification.
Comment: This variant is classified as likely benign based on ACMG/AMP sequence variant interpretation guidelines (Richards et al. 2015 PMID: 25741868, with internal and published modifications).

Literature cited by the submitters: PubMed 17576681 (cited by Labcorp Genetics (formerly Invitae), Labcorp); PubMed 9536098 (cited by Labcorp Genetics (formerly Invitae), Labcorp).

NM_014956.5(CEP164):c.1934+3C>T

Gene: CEP164 (centrosomal protein 164; plus strand). Cytogenetic location: 11q23.3.
Variant type: single nucleotide variant.
Coding change: c.1934+3C>T on transcript NM_014956.5 (MANE Select); 3 bases into the intron after coding-DNA position 1934, C replaced by T.
Molecular consequence: intron variant.
Genome position (GRCh38, 1-based): chr11:117,387,415, C>T. VCF-style: chr11-117387415-C-T. GRCh37 (hg19) VCF-style: chr11-117258131-C-T.
Other names: c.1943+3C>T (NM_001271933.2).
Identifiers: ClinVar variation 853168 (VCV000853168.9), dbSNP rs369584565, ClinGen allele CA6294893.